The following is an entry in ClinVar:

ClinVar aggregate classification (germline): Uncertain significance (1 of 4 stars; one submission).

Conditions:
POMC-related disorder. Also called: POMC-related disorders; POMC-related condition.

gnomAD v4.1: 4 of 1,613,754 alleles (0.00025%); highest among the groups gnomAD compares: Non-Finnish European, 0.00034%; no homozygotes.

Submission:

PreventionGenetics, part of Exact Sciences
Classification: Uncertain significance for POMC-related condition. Last evaluated: 2026-07-06. Review status: criteria provided, single submitter. Criteria: ACMG Guidelines, 2015. Collection method: clinical testing. Allele origin: germline.
Comment: The POMC c.784G>A variant is predicted to result in the amino acid substitution p.Ala262Thr. This variant was observed in a cohort of individuals with obesity, and in vitro functional studies showed this variant did not reduce protein function and could cause increased function (Supplemental Data Set 3, Shah et al. 2023. PubMed ID: 36864747). To our knowledge, this variant has not been reported in a large population database (gnomAD), indicating it is rare. At this time, the clinical significance of this variant is uncertain due to the absence of conclusive functional and genetic evidence.

NM_000939.4(POMC):c.784G>A (p.Ala262Thr)

Gene: POMC (proopiomelanocortin; minus strand). Cytogenetic location: 2p23.3.
Variant type: single nucleotide variant.
Coding change: c.784G>A on transcript NM_000939.4 (MANE Select); coding-DNA position 784, G replaced by A.
Protein change: p.Ala262Thr; replaces alanine 262 with threonine.
Molecular consequence: missense variant.
Genome position (GRCh38, 1-based): chr2:25,161,101, C>T on the plus strand (G>A on the coding strand, the complement: POMC is on the minus strand). VCF-style: chr2-25161101-C-T. GRCh37 (hg19) VCF-style: chr2-25383970-C-T.
Other names: c.784G>A, p.Ala262Thr (NM_001035256.3, NM_001319204.2, NM_001319205.2); short protein forms A262T.
Identifiers: ClinVar variation 4990679 (VCV004990679.1).